The following is an entry in ClinVar:

ClinVar aggregate classification (germline): Conflicting classifications of pathogenicity. Review status: criteria provided, conflicting classifications (1 of 4 stars). 3 submissions from 3 submitters: Uncertain significance (2); Likely benign (1). Last evaluated 2025-06-11.

Conditions:
Vesicoureteral reflux 2 (VUR2). Identifiers: Orphanet 289365, MedGen C1970483, MONDO:0012573, OMIM 610878.

gnomAD v4.1: 39 of 1,614,030 alleles (0.0024%); highest among the groups gnomAD compares: Admixed American, 0.015%; no homozygotes.

Submissions (3):

Labcorp Genetics (formerly Invitae), Labcorp
Classification: Uncertain significance. Last evaluated: 2025-06-11. Review status: criteria provided, single submitter. Criteria: Invitae Variant Classification Sherloc (09022015). Collection method: clinical testing. Allele origin: germline.
Comment: This sequence change replaces arginine, which is basic and polar, with tryptophan, which is neutral and slightly polar, at codon 1158 of the ROBO2 protein (p.Arg1158Trp). This variant is present in population databases (rs747971442, gnomAD 0.03%). This missense change has been observed in individual(s) with clinical features of ROBO2-related conditions (PMID: 26489027). ClinVar contains an entry for this variant (Variation ID: 346706). Invitae Evidence Modeling of protein sequence and biophysical properties (such as structural, functional, and spatial information, amino acid conservation, physicochemical variation, residue mobility, and thermodynamic stability) indicates that this missense variant is not expected to disrupt ROBO2 protein function with a negative predictive value of 95%. In summary, the available evidence is currently insufficient to determine the role of this variant in disease. Therefore, it has been classified as a Variant of Uncertain Significance.

Fulgent Genetics
Classification: Uncertain significance for Vesicoureteral reflux 2. Last evaluated: 2024-03-07. Review status: criteria provided, single submitter. Criteria: ACMG Guidelines, 2015. Collection method: clinical testing. Allele origin: germline.

Illumina Laboratory Services, Illumina
Classification: Likely benign for Vesicoureteral reflux 2. Last evaluated: 2018-01-12. Review status: criteria provided, single submitter. Criteria: ICSL Variant Classification Criteria 13 December 2019. Collection method: clinical testing. Allele origin: germline.
Comment: This variant was observed in the ICSL laboratory as part of a predisposition screen in an ostensibly healthy population. It had not been previously curated by ICSL or reported in the Human Gene Mutation Database (HGMD: prior to June 1st, 2018), and was therefore a candidate for classification through an automated scoring system. Utilizing variant allele frequency, disease prevalence and penetrance estimates, and inheritance mode, an automated score was calculated to assess if this variant is too frequent to cause the disease. Based on the score and internal cut-off values, a variant classified as likely benign is not then subjected to further curation. The score for this variant resulted in a classification of likely benign for this disease.

Literature cited by the submitters: PubMed 26489027 (cited by Labcorp Genetics (formerly Invitae), Labcorp).

NM_001395656.1(ROBO2):c.3484C>T (p.Arg1162Trp)

Gene: ROBO2 (roundabout guidance receptor 2; plus strand). Cytogenetic location: 3p12.3.
Variant type: single nucleotide variant.
Coding change: c.3484C>T on transcript NM_001395656.1 (MANE Select); coding-DNA position 3484, C replaced by T.
Protein change: p.Arg1162Trp; replaces arginine 1162 with tryptophan.
Molecular consequence: missense variant.
Genome position (GRCh38, 1-based): chr3:77,617,691, C>T. VCF-style: chr3-77617691-C-T. GRCh37 (hg19) VCF-style: chr3-77666842-C-T.
Other names: c.3472C>T, p.Arg1158Trp (NM_002942.5, NM_001378193.1); c.3520C>T, p.Arg1174Trp (NM_001128929.3); c.3484C>T, p.Arg1162Trp (NM_001290039.2, NM_001290040.2); c.1693C>T, p.Arg565Trp (NM_001290065.2); c.3532C>T, p.Arg1178Trp (NM_001378190.1, NM_001378200.1, NM_001378201.1 and 1 more transcripts); c.3658C>T, p.Arg1220Trp (NM_001378191.1, NM_001378195.1, NM_001378196.1); c.3553C>T, p.Arg1185Trp (NM_001378192.1, NM_001378198.1, NM_001378199.1); c.3670C>T, p.Arg1224Trp (NM_001378194.1); and 5 more; short protein forms R1174W, R1158W, R565W, R1162W, R1159W, R1178W, R1181W, R1185W.
Identifiers: ClinVar variation 346706 (VCV000346706.11), dbSNP rs747971442, ClinGen allele CA2497656.
Genomic context (GRCh38, chr3:77,617,691, plus strand): 5'-GCTTCTTCTCCTGCTATCTCCTTTGGACAGCAGTCCACTGCAACTCTTACTCCATCCCCA[C>T]GGGAAGAGATGCAACCCATGCTGCAGGCTCACCTGGATGAGTTGACAAGAGCCTATCAGT-3'
Protein context (NP_001382585.1, residues 1152-1172): QSTATLTPSP[Arg1162Trp]EEMQPMLQAH